The following is an entry in ClinVar:

NM_001330078.2(NRXN1):c.*1T>A

Gene: NRXN1 (neurexin 1; minus strand). Cytogenetic location: 2p16.3.
Variant type: single nucleotide variant.
Coding change: c.*1T>A on transcript NM_001330078.2 (MANE Select); 1 bases downstream of the stop codon, T replaced by A.
Molecular consequence: 3 prime UTR variant.
Genome position (GRCh38, 1-based): chr2:49,921,943, A>T on the plus strand (T>A on the coding strand, the complement: NRXN1 is on the minus strand). VCF-style: chr2-49921943-A-T. GRCh37 (hg19) VCF-style: chr2-50149081-A-T.
Other names: c.*1T>A (NM_001135659.3, NM_001320156.4, NM_001320157.4 and 17 more transcripts).
Identifiers: ClinVar variation 388908 (VCV000388908.1), dbSNP rs567887770, ClinGen allele CA1654204.

ClinVar aggregate classification (germline): Likely benign (1 of 4 stars; one submission).

Allele frequency attached by ClinVar (database versions not stated): gnomAD 0.00001; gnomAD exomes 0.00001; ExAC 0.00002; 1000 Genomes Project 30x 0.00016; 1000 Genomes Project 0.00020.
gnomAD v4.1: 2 of 1,613,940 alleles (0.00012%); highest among the groups gnomAD compares: South Asian, 0.0022%; no homozygotes.

Submission:

GeneDx
Classification: Likely benign. Last evaluated: 2016-08-29. Review status: criteria provided, single submitter. Criteria: GeneDx Variant Classification (06012015). Collection method: clinical testing. Allele origin: germline. Affected: yes.
Comment: This variant is considered likely benign or benign based on one or more of the following criteria: it is a conservative change, it occurs at a poorly conserved position in the protein, it is predicted to be benign by multiple in silico algorithms, and/or has population frequency not consistent with disease.